The following is an entry in ClinVar:

NM_000516.7(GNAS):c.1155C>T (p.Arg385=)

Gene: GNAS (GNAS complex locus; plus strand). Cytogenetic location: 20q13.32.
Variant type: single nucleotide variant.
Coding change: c.1155C>T on transcript NM_000516.7 (MANE Select); coding-DNA position 1155, C replaced by T.
Protein change: p.Arg385=; no amino-acid change (arginine 385 retained).
Molecular consequence: synonymous variant. On other transcripts: 3 prime UTR variant (2).
Genome position (GRCh38, 1-based): chr20:58,910,799, C>T. VCF-style: chr20-58910799-C-T. GRCh37 (hg19) VCF-style: chr20-57485854-C-T.
Other names: c.1158C>T, p.Arg386= (NM_001077488.5); c.1110C>T, p.Arg370= (NM_001077489.4); c.*1016C>T (NM_001077490.3); c.978C>T, p.Arg326= (NM_001309840.2, NM_001309861.2); c.1059C>T, p.Arg353= (NM_001410912.1); c.3039C>T, p.Arg1013= (NM_001410913.1); c.*1061C>T (NM_016592.5); c.3084C>T, p.Arg1028= (NM_080425.4); and 1 more.
Identifiers: ClinVar variation 3356266 (VCV003356266.1).

ClinVar aggregate classification (germline): Likely benign (0 of 4 stars; one submission).

Conditions:
GNAS-related disorder. Identifiers: MedGen CN380105.

gnomAD v4.1: 1 of 1,614,192 alleles (0.000062%); highest among the groups gnomAD compares: Non-Finnish European, 0.000085%; no homozygotes.

Submission:

PreventionGenetics, part of Exact Sciences
Classification: Likely benign for GNAS-related condition. Last evaluated: 2023-05-09. Review status: no assertion criteria provided. Collection method: clinical testing. Allele origin: germline.
Comment: This variant is classified as likely benign based on ACMG/AMP sequence variant interpretation guidelines (Richards et al. 2015 PMID: 25741868, with internal and published modifications).